The following is an entry in ClinVar:

ClinVar aggregate classification (germline): Uncertain significance. Review status: criteria provided, multiple submitters, no conflicts (2 of 4 stars). 3 submissions from 3 submitters: Uncertain significance (3). Last evaluated 2024-11-13.

Conditions:
Familial thoracic aortic aneurysm and aortic dissection (TAAD). Also called: Thoracic aortic aneurysms and dissections. Identifiers: Orphanet 91387, MedGen C4707243, MONDO:0019625.

Allele frequency attached by ClinVar (database versions not stated): TOPMed below 0.00001.

Submissions (3):

Ambry Genetics
Classification: Uncertain significance for Familial thoracic aortic aneurysm and aortic dissection. Last evaluated: 2024-11-13. Review status: criteria provided, single submitter. Criteria: Ambry Variant Classification Scheme 2023. Collection method: clinical testing. Allele origin: germline.

Labcorp Genetics (formerly Invitae), Labcorp
Classification: Uncertain significance for Familial thoracic aortic aneurysm and aortic dissection. Last evaluated: 2023-10-18. Review status: criteria provided, single submitter. Criteria: Invitae Variant Classification Sherloc (09022015). Collection method: clinical testing. Allele origin: germline.
Comment: This sequence change replaces isoleucine, which is neutral and non-polar, with phenylalanine, which is neutral and non-polar, at codon 24 of the TGFBR2 protein (p.Ile24Phe). This variant is not present in population databases (gnomAD no frequency). This variant has not been reported in the literature in individuals affected with TGFBR2-related conditions. ClinVar contains an entry for this variant (Variation ID: 1315434). Advanced modeling of protein sequence and biophysical properties (such as structural, functional, and spatial information, amino acid conservation, physicochemical variation, residue mobility, and thermodynamic stability) performed at Invitae indicates that this missense variant is not expected to disrupt TGFBR2 protein function. In summary, the available evidence is currently insufficient to determine the role of this variant in disease. Therefore, it has been classified as a Variant of Uncertain Significance.

GeneDx
Classification: Uncertain significance. Last evaluated: 2020-02-10. Review status: criteria provided, single submitter. Criteria: GeneDx Variant Classification Process June 2021. Collection method: clinical testing. Allele origin: germline. Affected: yes.
Comment: Has not been previously published as pathogenic or benign to our knowledge; Not observed in large population cohorts (Lek et al., 2016); In silico analysis supports that this missense variant does not alter protein structure/function

NM_003242.6(TGFBR2):c.70A>T (p.Ile24Phe)

Gene: TGFBR2 (transforming growth factor beta receptor 2; plus strand). Cytogenetic location: 3p24.1.
Variant type: single nucleotide variant.
Coding change: c.70A>T on transcript NM_003242.6 (MANE Select); coding-DNA position 70, A replaced by T.
Protein change: p.Ile24Phe; replaces isoleucine 24 with phenylalanine.
Molecular consequence: missense variant.
Genome position (GRCh38, 1-based): chr3:30,606,953, A>T. VCF-style: chr3-30606953-A-T. GRCh37 (hg19) VCF-style: chr3-30648445-A-T.
Other names: c.70A>T, p.Ile24Phe (NM_001024847.3, NM_001407126.1, NM_001407127.1 and 4 more transcripts); c.-214A>T (NM_001407133.1); c.-92A>T (NM_001407134.1); c.-139A>T (NM_001407135.1); c.-224A>T (NM_001407136.1); short protein forms I24F.
Identifiers: ClinVar variation 1315434 (VCV001315434.7), dbSNP rs1697934054, ClinGen allele CA351830595.
Genomic context (GRCh38, chr3:30,606,953, plus strand): 5'-GGGCTGCTCAGGGGCCTGTGGCCGCTGCACATCGTCCTGTGGACGCGTATCGCCAGCACG[A>T]TCCCACCGCACGTTCAGAAGTCGGGTGAGTGGTCCCCAGCCCGGGCTCGGCGGGGCGCCG-3'
Protein context (NP_003233.4, residues 14-34): IVLWTRIAST[Ile24Phe]PPHVQKSVNN